The following is an entry in ClinVar:

ClinVar aggregate classification (germline): Uncertain significance. Review status: criteria provided, multiple submitters, no conflicts (2 of 4 stars). 4 submissions from 4 submitters: Uncertain significance (4). Last evaluated 2026-01-15.

Conditions:
Hereditary cancer-predisposing syndrome. Also called: Neoplastic Syndromes, Hereditary; Tumor predisposition; Hereditary Cancer Syndrome; Hereditary neoplastic syndrome. Identifiers: Orphanet 140162, MedGen C0027672, MeSH D009386, MONDO:0015356.
Familial adenomatous polyposis 1 (FAP1). Also called: POLYPOSIS, ADENOMATOUS INTESTINAL; FAMILIAL ADENOMATOUS POLYPOSIS 1, ATTENUATED. Identifiers: MedGen C2713442, MONDO:0021056, OMIM 175100. Disease mechanism: loss of function.

Submissions (4):

Women's Health and Genetics/Laboratory Corporation of America, LabCorp
Classification: Uncertain significance. Last evaluated: 2026-01-15. Review status: criteria provided, single submitter. Criteria: LabCorp Variant Classification Summary - May 2015. Collection method: clinical testing. Allele origin: germline.

GeneDx
Classification: Uncertain significance. Last evaluated: 2024-09-30. Review status: criteria provided, single submitter. Criteria: GeneDx Variant Classification Process June 2021. Collection method: clinical testing. Allele origin: germline. Affected: yes.
Comment: Not observed at significant frequency in large population cohorts (gnomAD); In silico analysis indicates that this missense variant does not alter protein structure/function; Has not been previously published as pathogenic or benign to our knowledge

Ambry Genetics
Classification: Uncertain significance for Hereditary cancer-predisposing syndrome. Last evaluated: 2024-06-19. Review status: criteria provided, single submitter. Criteria: Ambry Variant Classification Scheme 2023. Collection method: clinical testing. Allele origin: germline.
Comment: The p.K993R variant (also known as c.2978A>G), located in coding exon 15 of the APC gene, results from an A to G substitution at nucleotide position 2978. The lysine at codon 993 is replaced by arginine, an amino acid with highly similar properties. This amino acid position is conserved. In addition, in silico predictors for this gene do not accurately predict pathogenicity. Since supporting evidence is limited at this time, the clinical significance of this alteration remains unclear.

Labcorp Genetics (formerly Invitae), Labcorp
Classification: Uncertain significance for Familial adenomatous polyposis 1. Last evaluated: 2024-03-11. Review status: criteria provided, single submitter. Criteria: Invitae Variant Classification Sherloc (09022015). Collection method: clinical testing. Allele origin: germline.
Comment: This sequence change replaces lysine, which is basic and polar, with arginine, which is basic and polar, at codon 993 of the APC protein (p.Lys993Arg). This variant is not present in population databases (gnomAD no frequency). This variant has not been reported in the literature in individuals affected with APC-related conditions. ClinVar contains an entry for this variant (Variation ID: 1798347). Advanced modeling of protein sequence and biophysical properties (such as structural, functional, and spatial information, amino acid conservation, physicochemical variation, residue mobility, and thermodynamic stability) performed at Invitae indicates that this missense variant is not expected to disrupt APC protein function with a negative predictive value of 95%. In summary, the available evidence is currently insufficient to determine the role of this variant in disease. Therefore, it has been classified as a Variant of Uncertain Significance.

NM_000038.6(APC):c.2978A>G (p.Lys993Arg)

Gene: APC (APC regulator of Wnt signaling pathway; plus strand). Cytogenetic location: 5q22.2.
Variant type: single nucleotide variant.
Coding change: c.2978A>G on transcript NM_000038.6 (MANE Select); coding-DNA position 2978, A replaced by G.
Protein change: p.Lys993Arg; replaces lysine 993 with arginine.
Molecular consequence: missense variant.
Genome position (GRCh38, 1-based): chr5:112,838,572, A>G. VCF-style: chr5-112838572-A-G. GRCh37 (hg19) VCF-style: chr5-112174269-A-G.
Other names: c.2978A>G, p.Lys993Arg (NM_001127510.3, NM_001354895.2, NM_001407450.1); c.2924A>G, p.Lys975Arg (NM_001127511.3); c.3032A>G, p.Lys1011Arg (NM_001354896.2, NM_001407447.1, NM_001407448.1 and 1 more transcripts); c.3008A>G, p.Lys1003Arg (NM_001354897.2); c.2903A>G, p.Lys968Arg (NM_001354898.2); c.2894A>G, p.Lys965Arg (NM_001354899.2); c.2855A>G, p.Lys952Arg (NM_001354900.2); c.2801A>G, p.Lys934Arg (NM_001354901.2, NM_001407453.1); and 11 more; short protein forms K609R, K833R, K892R, K902R, K952R, K986R, K1021R, K710R.
Identifiers: ClinVar variation 1798347 (VCV001798347.10), dbSNP rs1554084627, ClinGen allele CA16027842.
Genomic context (GRCh38, chr5:112,838,572, plus strand): 5'-ATGGTAAAAGAGGTCAAATGAAACCCTCGATTGAATCCTATTCTGAAGATGATGAAAGTA[A>G]GTTTTGCAGTTATGGTCAATACCCAGCCGACCTAGCCCATAAAATACATAGTGCAAATCA-3'
Protein context (NP_000029.2, residues 983-1003): IESYSEDDES[Lys993Arg]FCSYGQYPAD